The following is an entry in ClinVar:

NM_022168.4(IFIH1):c.682A>T (p.Thr228Ser)

Gene: IFIH1 (interferon induced with helicase C domain 1; minus strand). Cytogenetic location: 2q24.2.
Variant type: single nucleotide variant.
Coding change: c.682A>T on transcript NM_022168.4 (MANE Select); coding-DNA position 682, A replaced by T.
Protein change: p.Thr228Ser; replaces threonine 228 with serine.
Molecular consequence: missense variant.
Genome position (GRCh38, 1-based): chr2:162,306,796, T>A on the plus strand (A>T on the coding strand, the complement: IFIH1 is on the minus strand). VCF-style: chr2-162306796-T-A. GRCh37 (hg19) VCF-style: chr2-163163306-T-A.
Other names: short protein forms T228S.
Identifiers: ClinVar variation 1809763 (VCV001809763.1), dbSNP rs1349325162, ClinGen allele CA349008520.
Genomic context (GRCh38, chr2:162,306,796, plus strand): 5'-ATGATTCTGATGAGTTATTCTCCATGCCCCAGACCTCCTTCTCCAGATTTGGCTGAACTG[T>A]GGTTGAAAGAAGTTGCTCTTCCACTTGAGGACCATCAACTTGTGATAAATTCTCAATCTC-3'
Protein context (NP_071451.2, residues 218-238): PQVEEQLLST[Thr228Ser]VQPNLEKEVW

ClinVar aggregate classification (germline): Uncertain significance (1 of 4 stars; one submission).

Submission:

Athena Diagnostics
Classification: Uncertain significance. Last evaluated: 2021-09-01. Review status: criteria provided, single submitter. Criteria: Athena Diagnostics Criteria. Collection method: clinical testing. Allele origin: unknown.
Comment: This observation is not an independent occurrence and has been identified in the same individual by RCIGM, the other laboratory participating in the GEMINI study.